The following is an entry in ClinVar:

ClinVar aggregate classification (germline): Pathogenic (1 of 4 stars; one submission).

Conditions:
Rhabdoid tumor predisposition syndrome 2 (RTPS2). Identifiers: Orphanet 231108, Orphanet 69077, MedGen C2750074, MONDO:0013224, OMIM 613325.

Submission:

Labcorp Genetics (formerly Invitae), Labcorp
Classification: Pathogenic for Rhabdoid tumor predisposition syndrome 2. Last evaluated: 2021-02-28. Review status: criteria provided, single submitter. Criteria: Invitae Variant Classification Sherloc (09022015). Collection method: clinical testing. Allele origin: germline.
Comment: This sequence change creates a premature translational stop signal (p.Ala393Profs*18) in the SMARCA4 gene. It is expected to result in an absent or disrupted protein product. Loss-of-function variants in SMARCA4 are known to be pathogenic (PMID: 24658001, 24658002). This variant is not present in population databases (ExAC no frequency). This variant has not been reported in the literature in individuals with SMARCA4-related conditions. For these reasons, this variant has been classified as Pathogenic.

Literature cited by the submitters: PubMed 24658001; PubMed 24658002.

NM_003072.5(SMARCA4):c.1177del (p.Ala393fs)

Gene: SMARCA4 (SWI/SNF related BAF chromatin remodeling complex subunit ATPase 4; plus strand). Cytogenetic location: 19p13.2.
Variant type: Deletion.
Coding change: c.1177del on transcript NM_003072.5 (MANE Select); coding-DNA position 1177, one base deleted (G; older notation c.1177delG).
Protein change: p.Ala393fs; shifts the reading frame from alanine 393.
Molecular consequence: frameshift variant. On other transcripts: non-coding transcript variant (1).
Genome position (GRCh38, 1-based): chr19:10,989,375, G deleted; the last of 2 consecutive G bases (chr19:10,989,374-10,989,375); deleting either gives the same sequence. VCF-style (leftmost placement, unchanged base first): chr19-10989373-TG-T. GRCh37 (hg19) VCF-style: chr19-11100049-TG-T.
Other names: c.1177del, p.Ala393fs (NM_001128844.3, NM_001128845.2, NM_001128846.2 and 5 more transcripts); short protein forms A393fs.
Identifiers: ClinVar variation 1454217 (VCV001454217.6), dbSNP rs2145848353, ClinGen allele CA2573155657.